The following is an entry in ClinVar:

NM_006767.4(LZTR1):c.1397G>T (p.Arg466Leu)

Gene: LZTR1 (leucine zipper like post translational regulator 1; plus strand). Cytogenetic location: 22q11.21.
Variant type: single nucleotide variant.
Coding change: c.1397G>T on transcript NM_006767.4 (MANE Select); coding-DNA position 1397, G replaced by T.
Protein change: p.Arg466Leu; replaces arginine 466 with leucine.
Molecular consequence: missense variant.
Genome position (GRCh38, 1-based): chr22:20,993,967, G>T. VCF-style: chr22-20993967-G-T. GRCh37 (hg19) VCF-style: chr22-21348256-G-T.
Other names: short protein forms R466L.
Identifiers: ClinVar variation 1312561 (VCV001312561.8), dbSNP rs587777180, ClinGen allele CA410775160.

ClinVar aggregate classification (germline): Conflicting classifications of pathogenicity. Review status: criteria provided, conflicting classifications (1 of 4 stars). 5 submissions from 5 submitters: Likely pathogenic (1); Uncertain significance (4). Last evaluated 2025-02-20.

Conditions:
Cardiovascular phenotype. Identifiers: MedGen CN230736.
Hereditary cancer-predisposing syndrome. Also called: Tumor predisposition; Neoplastic Syndromes, Hereditary; Hereditary Cancer Syndrome; Hereditary neoplastic syndrome. Identifiers: Orphanet 140162, MedGen C0027672, MeSH D009386, MONDO:0015356.
LZTR1-related schwannomatosis. Also called: Schwannomatosis-2, susceptibility to; Schwannomatosis 2. Identifiers: Orphanet 93921, MedGen C3810283, MONDO:0014299, OMIM 615670.

gnomAD v4.1: 6 of 1,612,710 alleles (0.00037%); highest among the groups gnomAD compares: Non-Finnish European, 0.00051%; no homozygotes.

Submissions (5):

Institute for Genomic Medicine (IGM) Clinical Laboratory, Nationwide Children's Hospital
Classification: Uncertain significance for LZTR1-related schwannomatosis. Last evaluated: 2025-02-20. Review status: criteria provided, single submitter. Criteria: ACMG Guidelines, 2015. Collection method: clinical testing. Allele origin: germline.
Comment: This variant is absent from or present at an exceedingly low frequency in gnomAD, a large-scale control population database (ACMG/AMP: PM2). A different substitution at this amino acid position has been reported as pathogenic (ACMG/AMP: PM5). This variant is predicted to alter protein function or structure, or disrupt splicing by multiple in silico tools (ACMG/AMP: PP3).

Ambry Genetics
Classification: Likely pathogenic for Cardiovascular phenotype; Hereditary cancer-predisposing syndrome. Last evaluated: 2025-01-29. Review status: criteria provided, single submitter. Criteria: Ambry Variant Classification Scheme 2023. Collection method: clinical testing. Allele origin: germline.
Comment: The p.R466L variant (also known as c.1397G>T), located in coding exon 13 of the LZTR1 gene, results from a G to T substitution at nucleotide position 1397. The arginine at codon 466 is replaced by leucine, an amino acid with dissimilar properties. This amino acid position is highly conserved in available vertebrate species. In addition, this alteration is predicted to be deleterious by in silico analysis. Based on the supporting evidence, this variant is likely pathogenic for an increased risk of LZTR1-related schwannomatosis (SWN) and would be expected to cause autosomal recessive Noonan syndrome when present along with a second pathogenic variant on the other allele.

Genetics and Molecular Pathology, SA Pathology
Classification: Uncertain significance for LZTR1-related schwannomatosis. Last evaluated: 2023-06-07. Review status: criteria provided, single submitter. Criteria: ACMG Guidelines, 2015. Collection method: clinical testing. Allele origin: germline. Inheritance: Autosomal dominant inheritance. Affected: yes.
Comment: The LZTR1 c.1397G>T variant is classified as a VUS (PM2, PP3, PM5) The LZTR1 c.1397G>T variant is a single nucleotide change in exon 13/21 of the LZTR1 gene, which is predicted to change the amino acid arginine at position 466 in the protein to leucine. This variant is absent from population databases (PM2). Computational predictions support a deleterious effect on the gene or gene product (PP3). This variant is a novel missense change at an amino acid residue where a different missense change has been seen before as both heterozygous and compound heterozygous in association with schwannomatosis and Noonan syndrome; p.Arg466Gln (PMID: 24362817, 31130284, 31219622) (PM5). A third missense change at this codon has also been reported but its clinical significance is uncertain; p.Arg466Trp (PMID: 31475041, 29409008, 29384852). Steklov et al. 2018 (PMID: 30442762) reported both the p.Arg466Gln and p.Arg466Trp variants in a total of 5 individuals with schwannomatosis. They demonstrated reduced binding of both LZTR1 mutated proteins to CUL3 using immunoblotting. The p.(Arg466Leu) variant has been reported as Uncertain significance by other diagnostic laboratories (ClinVar Variation ID: 1312561). It has not been reported in dbSNP, HGMD 2023.1 or the scientific literature to date.

Labcorp Genetics (formerly Invitae), Labcorp
Classification: Uncertain significance. Last evaluated: 2022-07-16. Review status: criteria provided, single submitter. Criteria: Invitae Variant Classification Sherloc (09022015). Collection method: clinical testing. Allele origin: germline.
Comment: In summary, the available evidence is currently insufficient to determine the role of this variant in disease. Therefore, it has been classified as a Variant of Uncertain Significance. Algorithms developed to predict the effect of missense changes on protein structure and function (SIFT, PolyPhen-2, Align-GVGD) all suggest that this variant is likely to be disruptive. ClinVar contains an entry for this variant (Variation ID: 1312561). This variant has not been reported in the literature in individuals affected with LZTR1-related conditions. This variant is not present in population databases (gnomAD no frequency). This sequence change replaces arginine, which is basic and polar, with leucine, which is neutral and non-polar, at codon 466 of the LZTR1 protein (p.Arg466Leu).

GeneDx
Classification: Uncertain significance. Last evaluated: 2020-03-05. Review status: criteria provided, single submitter. Criteria: GeneDx Variant Classification Process June 2021. Collection method: clinical testing. Allele origin: germline. Affected: yes.
Comment: Not observed in large population cohorts (Lek 2016); In silico analysis supports that this missense variant has a deleterious effect on protein structure/function; Has not been previously published as pathogenic or benign to our knowledge

Literature cited by the submitters: PubMed 24362817 (cited by Genetics and Molecular Pathology, SA Pathology); PubMed 29384852 (cited by Genetics and Molecular Pathology, SA Pathology); PubMed 29409008 (cited by Genetics and Molecular Pathology, SA Pathology); PubMed 30442762 (cited by Genetics and Molecular Pathology, SA Pathology); PubMed 31130284 (cited by Genetics and Molecular Pathology, SA Pathology); PubMed 31219622 (cited by Genetics and Molecular Pathology, SA Pathology); PubMed 31475041 (cited by Genetics and Molecular Pathology, SA Pathology).